The following is an entry in ClinVar:

NM_004415.4(DSP):c.1293del (p.Glu430_Tyr431insTer)

Gene: DSP (desmoplakin; plus strand). Cytogenetic location: 6p24.3.
Variant type: Deletion.
Coding change: c.1293del on transcript NM_004415.4 (MANE Select); coding-DNA position 1293, one base deleted (C; older notation c.1293delC).
Protein change: p.Glu430_Tyr431insTer.
Molecular consequence: nonsense.
Genome position (GRCh38, 1-based): chr6:7,568,463, C deleted. VCF-style (leftmost placement, unchanged base first): chr6-7568462-AC-A. GRCh37 (hg19) VCF-style: chr6-7568695-AC-A.
Other names: c.1293del, p.Glu430_Tyr431insTer (NM_001008844.3, NM_001319034.2).
Identifiers: ClinVar variation 1366074 (VCV001366074.6), dbSNP rs2113674180, ClinGen allele CA2573140851.
Genomic context (GRCh38, chr6:7,568,462, plus strand): 5'-TCTATGTTTAAGTATGATTTTATTCACCATTGCAGAAAGAACGAGAGAAAATCCTTGAAT[AC>A]AAGCGTCAGGTGCAGAACTTGGTAAACAAGTCTAAGAAGATTGTACAGCTGAAGCCTCGT-3'

ClinVar aggregate classification (germline): Pathogenic (1 of 4 stars; one submission).

Conditions:
Arrhythmogenic cardiomyopathy with wooly hair and keratoderma. Also called: Arrhythmogenic cardiomyopathy with woolly hair and keratoderma; Carvajal syndrome; PALMOPLANTAR KERATODERMA WITH LEFT VENTRICULAR CARDIOMYOPATHY AND WOOLLY HAIR; Dilated cardiomyopathy with woolly hair and keratoderma. Identifiers: Orphanet 65282, MedGen C1854063, MONDO:0011581, OMIM 605676.
Arrhythmogenic right ventricular dysplasia 8 (ARVD8). Also called: Arrhythmogenic Right Ventricular Dysplasia/Cardiomyopathy 8; ARRHYTHMOGENIC RIGHT VENTRICULAR DYSPLASIA, FAMILIAL, 8; ARRHYTHMOGENIC RIGHT VENTRICULAR CARDIOMYOPATHY 8. Identifiers: MedGen C1843896, MONDO:0011831, OMIM 607450.

Submission:

Labcorp Genetics (formerly Invitae), Labcorp
Classification: Pathogenic for Arrhythmogenic cardiomyopathy with wooly hair and keratoderma; Arrhythmogenic right ventricular dysplasia 8. Last evaluated: 2021-08-14. Review status: criteria provided, single submitter. Criteria: Invitae Variant Classification Sherloc (09022015). Collection method: clinical testing. Allele origin: germline.
Comment: This sequence change creates a premature translational stop signal (p.Tyr431*) in the DSP gene. It is expected to result in an absent or disrupted protein product. Loss-of-function variants in DSP are known to be pathogenic (PMID: 20716751, 24503780, 25227139). This variant is not present in population databases (ExAC no frequency). This variant has not been reported in the literature in individuals affected with DSP-related conditions. For these reasons, this variant has been classified as Pathogenic.

Literature cited by the submitters: PubMed 20716751; PubMed 24503780; PubMed 25227139.